The following is an entry in ClinVar:

NM_005732.4(RAD50):c.199G>A (p.Val67Ile)

Gene: RAD50 (RAD50 double strand break repair protein; plus strand). Cytogenetic location: 5q31.1.
Variant type: single nucleotide variant.
Coding change: c.199G>A on transcript NM_005732.4 (MANE Select); coding-DNA position 199, G replaced by A.
Protein change: p.Val67Ile; replaces valine 67 with isoleucine.
Molecular consequence: missense variant.
Genome position (GRCh38, 1-based): chr5:132,559,353, G>A. VCF-style: chr5-132559353-G-A. GRCh37 (hg19) VCF-style: chr5-131895045-G-A.
Other names: short protein forms V67I.
Identifiers: ClinVar variation 231827 (VCV000231827.10), dbSNP rs876659389, ClinGen allele CA10578478.
Genomic context (GRCh38, chr5:132,559,353, plus strand): 5'-GAATGTCTAAAATATATTTGTACTGGAGATTTCCCTCCTGGAACCAAAGGAAATACATTT[G>A]TACACGATCCCAAGGTAATGGTGCTAGTACAATTTTGTATTTTTATAATTATAAAAATGA-3'
Protein context (NP_005723.2, residues 57-77): FPPGTKGNTF[Val67Ile]HDPKVAQETD

ClinVar aggregate classification (germline): Uncertain significance. Review status: criteria provided, multiple submitters, no conflicts (2 of 4 stars). 2 submissions from 2 submitters: Uncertain significance (2). Last evaluated 2025-11-12.

Conditions:
Hereditary cancer-predisposing syndrome. Also called: Neoplastic Syndromes, Hereditary; Tumor predisposition; Hereditary Cancer Syndrome; Hereditary neoplastic syndrome. Identifiers: Orphanet 140162, MedGen C0027672, MeSH D009386, MONDO:0015356.

Allele frequency attached by ClinVar (database versions not stated): TOPMed 0.00001.

Submissions (2):

Ambry Genetics
Classification: Uncertain significance for Hereditary cancer-predisposing syndrome. Last evaluated: 2025-11-12. Review status: criteria provided, single submitter. Criteria: Ambry Variant Classification Scheme 2023. Collection method: clinical testing. Allele origin: germline.

Labcorp Genetics (formerly Invitae), Labcorp
Classification: Uncertain significance for Hereditary cancer-predisposing syndrome. Last evaluated: 2022-05-04. Review status: criteria provided, single submitter. Criteria: Invitae Variant Classification Sherloc (09022015). Collection method: clinical testing. Allele origin: germline.
Comment: In summary, the available evidence is currently insufficient to determine the role of this variant in disease. Therefore, it has been classified as a Variant of Uncertain Significance. Algorithms developed to predict the effect of missense changes on protein structure and function are either unavailable or do not agree on the potential impact of this missense change (SIFT: "Tolerated"; PolyPhen-2: "Probably Damaging"; Align-GVGD: "Class C0"). ClinVar contains an entry for this variant (Variation ID: 231827). This variant has not been reported in the literature in individuals affected with RAD50-related conditions. This variant is not present in population databases (gnomAD no frequency). This sequence change replaces valine, which is neutral and non-polar, with isoleucine, which is neutral and non-polar, at codon 67 of the RAD50 protein (p.Val67Ile).